The following is an entry in ClinVar:

ClinVar aggregate classification (germline): Uncertain significance (1 of 4 stars; one submission).

Conditions:
Hereditary cancer-predisposing syndrome. Also called: Neoplastic Syndromes, Hereditary; Tumor predisposition; Hereditary neoplastic syndrome; Hereditary Cancer Syndrome. Identifiers: Orphanet 140162, MedGen C0027672, MeSH D009386, MONDO:0015356.

gnomAD v4.1: 7 of 1,613,872 alleles (0.00043%); highest among the groups gnomAD compares: Admixed American, 0.0017%; no homozygotes.

Submission:

Ambry Genetics
Classification: Uncertain significance for Hereditary cancer-predisposing syndrome. Last evaluated: 2026-09-14. Review status: criteria provided, single submitter. Criteria: Ambry Variant Classification Scheme 2023. Collection method: clinical testing. Allele origin: germline.
Comment: The c.2041+3A>G intronic variant results from an A to G substitution 3 nucleotides after coding exon 14 in the TSC1 gene. This nucleotide position is well conserved in available vertebrate species. In silico splice site analysis for this alteration is inconclusive; however, direct evidence is insufficient at this time (Ambry internal data). Based on the available evidence, the clinical significance of this variant remains unclear.

NM_000368.5(TSC1):c.2041+3A>G

Gene: TSC1 (TSC complex subunit 1; minus strand). Cytogenetic location: 9q34.13.
Variant type: single nucleotide variant.
Coding change: c.2041+3A>G on transcript NM_000368.5 (MANE Select); 3 bases into the intron after coding-DNA position 2041, A replaced by G.
Molecular consequence: intron variant.
Genome position (GRCh38, 1-based): chr9:132,904,408, T>C on the plus strand (A>G on the coding strand, the complement: TSC1 is on the minus strand). VCF-style: chr9-132904408-T-C. GRCh37 (hg19) VCF-style: chr9-135779795-T-C.
Other names: c.1678+3A>G (NM_001362177.2, NM_001406616.1, NM_001406615.1 and 5 more transcripts); c.1675+3A>G (NM_001406623.1, NM_001406620.1, NM_001406625.1 and 2 more transcripts); c.2038+3A>G (NM_001406599.1, NM_001406604.1, NM_001406608.1 and 6 more transcripts); c.2041+3A>G (NM_001406594.1, NM_001406601.1, NM_001406605.1 and 7 more transcripts); c.1885+3A>G (NM_001406611.1, NM_001406613.1, NM_001406612.1); c.1888+3A>G (NM_001162427.2, NM_001406610.1); c.1087+3A>G (NM_001406628.1, NM_001406627.1); c.1090+3A>G (NM_001406626.1); and 1 more.
Identifiers: ClinVar variation 5031202 (VCV005031202.1).